The following is an entry in ClinVar:

NM_021948.5(BCAN):c.1545G>A (p.Leu515=)

Genes: BCAN (brevican; plus strand), BCAN-AS1 (BCAN antisense RNA 1; minus strand), BCAN-AS2 (BCAN antisense RNA 2; minus strand). Cytogenetic location: 1q23.1.
Variant type: single nucleotide variant.
Coding change: c.1545G>A on transcript NM_021948.5 (MANE Select); coding-DNA position 1545, G replaced by A.
Protein change: p.Leu515=; no amino-acid change (leucine 515 retained).
Molecular consequence: synonymous variant.
Genome position (GRCh38, 1-based): chr1:156,652,495, G>A. VCF-style: chr1-156652495-G-A. GRCh37 (hg19) VCF-style: chr1-156622287-G-A.
Other names: c.1545G>A, p.Leu515= (NM_198427.2).
Identifiers: ClinVar variation 2639460 (VCV002639460.24), dbSNP rs139064894, ClinGen allele CA1164082.
Genomic context (GRCh38, chr1:156,652,495, plus strand): 5'-CCCCACTGAGCCAGCAGCCCAGGAGGAGTCACTCTCCCAGGCGCCAGCAAGGGCAGTCCT[G>A]CAGCCTGGTGCATCACCACTTCCTGATGGAGAGTCAGAAGCTTCCAGGCCTCCAAGGGTC-3'
Protein context (NP_068767.3, residues 505-525): SLSQAPARAV[Leu515=]QPGASPLPDG

ClinVar aggregate classification (germline): Likely benign (1 of 4 stars; one submission).

Allele frequency attached by ClinVar (database versions not stated): TOPMed 0.00016; gnomAD 0.00033; 1000 Genomes Project 0.00040; ESP Exome Variant Server 0.00046; 1000 Genomes Project 30x 0.00047; gnomAD exomes 0.00049; ExAC 0.00089.
gnomAD v4.1: 763 of 1,608,676 alleles (0.047%); highest among the groups gnomAD compares: South Asian, 0.43%; 5 homozygotes.

Submission:

CeGaT Center for Human Genetics Tuebingen
Classification: Likely benign. Last evaluated: 2023-03-01. Review status: criteria provided, single submitter. Criteria: CeGaT Center For Human Genetics Tuebingen Variant Classification Criteria Version 2. Collection method: clinical testing. Allele origin: germline. Affected: yes. Observed: 1 variant allele.
Comment: BCAN: BP4, BP7